The following is an entry in ClinVar:

NM_018319.4(TDP1):c.1077A>G (p.Pro359=)

Gene: TDP1 (tyrosyl-DNA phosphodiesterase 1; plus strand). Cytogenetic location: 14q32.11.
Variant type: single nucleotide variant.
Coding change: c.1077A>G on transcript NM_018319.4 (MANE Select); coding-DNA position 1077, A replaced by G.
Protein change: p.Pro359=; no amino-acid change (proline 359 retained).
Molecular consequence: synonymous variant.
Genome position (GRCh38, 1-based): chr14:89,985,156, A>G. VCF-style: chr14-89985156-A-G. GRCh37 (hg19) VCF-style: chr14-90451500-A-G.
Other names: p.Pro359=; c.1077A>G, p.Pro359= (NM_001008744.2, NM_001330205.2).
Identifiers: ClinVar variation 314832 (VCV000314832.14), dbSNP rs17126522, ClinGen allele CA7303829.
Genomic context (GRCh38, chr14:89,985,156, plus strand): 5'-CTATATTTTATAACTTGTGTTTTTATGTCTTTTTAGTGTTTATCTTATTGGTTCAACCCC[A>G]GGACGCTTTCAAGGAAGTCAAAAAGATAATTGGGGACATTTTAGACTTAAGAAGGTAACA-3'
Protein context (NP_060789.2, residues 349-369): ETNVYLIGST[Pro359=]GRFQGSQKDN

ClinVar aggregate classification (germline): Benign. Review status: criteria provided, multiple submitters, no conflicts (2 of 4 stars). 7 submissions from 7 submitters: Benign (5). 2 of the submissions do not count toward it. Last evaluated 2023-11-10.

Conditions:
Spinocerebellar ataxia, autosomal recessive, with axonal neuropathy 1 (SCAN1). Identifiers: Orphanet 94124, MedGen C4759870, MONDO:0011801, OMIM 607250.

Allele frequency attached by ClinVar (database versions not stated): gnomAD exomes 0.02274 and 0.02711; ExAC 0.03140; gnomAD 0.05661 and 0.05945; ESP Exome Variant Server 0.05909; 1000 Genomes Project 0.06010; 1000 Genomes Project 30x 0.06012; TOPMed 0.06292.
gnomAD v4.1: 42,206 of 1,611,166 alleles (2.6%); highest among the groups gnomAD compares: African/African-American, 16%; 1,277 homozygotes.

Submissions (7):

Athena Diagnostics
Classification: Benign. Last evaluated: 2023-11-10. Review status: criteria provided, single submitter. Criteria: Athena Diagnostics Criteria. Collection method: clinical testing. Allele origin: unknown.

GeneDx
Classification: Benign. Last evaluated: 2021-05-05. Review status: criteria provided, single submitter. Criteria: GeneDx Variant Classification Process June 2021. Collection method: clinical testing. Allele origin: germline. Affected: yes.

Mayo Clinic Laboratories, Mayo Clinic
Classification: Benign. Last evaluated: 2018-05-11. Review status: criteria provided, single submitter. Criteria: ACMG Guidelines, 2015. Collection method: clinical testing. Allele origin: germline. Observed: 128 variant alleles.

Illumina Laboratory Services, Illumina
Classification: Benign for Spinocerebellar ataxia, autosomal recessive, with axonal neuropathy 1. Last evaluated: 2018-01-12. Review status: criteria provided, single submitter. Criteria: ICSL Variant Classification Criteria 13 December 2019. Collection method: clinical testing. Allele origin: germline.
Comment: This variant was observed in the ICSL laboratory as part of a predisposition screen in an ostensibly healthy population. It had not been previously curated by ICSL or reported in the Human Gene Mutation Database (HGMD: prior to June 1st, 2018), and was therefore a candidate for classification through an automated scoring system. Utilizing variant allele frequency, disease prevalence and penetrance estimates, and inheritance mode, an automated score was calculated to assess if this variant is too frequent to cause the disease. Based on the score and internal cut-off values, a variant classified as benign is not then subjected to further curation. The score for this variant resulted in a classification of benign for this disease.

Breakthrough Genomics
Classification: Benign. Review status: criteria provided, single submitter. Criteria: ACMG Guidelines, 2015. Collection method: not provided. Allele origin: germline. Inheritance: Autosomal recessive inheritance. Affected: yes.

Clinical Genetics DNA and cytogenetics Diagnostics Lab, Erasmus MC, Erasmus Medical Center
Classification: Benign. Review status: no assertion criteria provided. Collection method: clinical testing. Allele origin: germline. Affected: yes. Study: VKGL Data-share Consensus. Not counted in ClinVar's aggregate classification.

Clinical Genetics, Academic Medical Center
Classification: Benign. Review status: no assertion criteria provided. Collection method: clinical testing. Allele origin: germline. Affected: yes. Study: VKGL Data-share Consensus. Not counted in ClinVar's aggregate classification.